The following is an entry in ClinVar:

NM_000392.5(ABCC2):c.670G>A (p.Glu224Lys)

Gene: ABCC2 (ATP binding cassette subfamily C member 2; plus strand). Cytogenetic location: 10q24.2.
Variant type: single nucleotide variant.
Coding change: c.670G>A on transcript NM_000392.5 (MANE Select); coding-DNA position 670, G replaced by A.
Protein change: p.Glu224Lys; replaces glutamic acid 224 with lysine.
Molecular consequence: missense variant.
Genome position (GRCh38, 1-based): chr10:99,797,134, G>A. VCF-style: chr10-99797134-G-A. GRCh37 (hg19) VCF-style: chr10-101556891-G-A.
Other names: short protein forms E224K.
Identifiers: ClinVar variation 3615647 (VCV003615647.2).

ClinVar aggregate classification (germline): Uncertain significance (1 of 4 stars; one submission).

gnomAD v4.1: 4 of 1,614,030 alleles (0.00025%); highest among the groups gnomAD compares: Admixed American, 0.0017%; no homozygotes.

Submission:

Labcorp Genetics (formerly Invitae), Labcorp
Classification: Uncertain significance. Last evaluated: 2024-11-08. Review status: criteria provided, single submitter. Criteria: Invitae Variant Classification Sherloc (09022015). Collection method: clinical testing. Allele origin: germline.
Comment: This sequence change replaces glutamic acid, which is acidic and polar, with lysine, which is basic and polar, at codon 224 of the ABCC2 protein (p.Glu224Lys). This variant is not present in population databases (gnomAD no frequency). This variant has not been reported in the literature in individuals affected with ABCC2-related conditions. Invitae Evidence Modeling of protein sequence and biophysical properties (such as structural, functional, and spatial information, amino acid conservation, physicochemical variation, residue mobility, and thermodynamic stability) indicates that this missense variant is not expected to disrupt ABCC2 protein function with a negative predictive value of 80%. In summary, the available evidence is currently insufficient to determine the role of this variant in disease. Therefore, it has been classified as a Variant of Uncertain Significance.